The following is an entry in ClinVar:

NM_000239.3(LYZ):c.415G>C (p.Val139Leu)

Gene: LYZ (lysozyme; plus strand). Cytogenetic location: 12q15.
Variant type: single nucleotide variant.
Coding change: c.415G>C on transcript NM_000239.3 (MANE Select); coding-DNA position 415, G replaced by C.
Protein change: p.Val139Leu; replaces valine 139 with leucine.
Molecular consequence: missense variant.
Genome position (GRCh38, 1-based): chr12:69,353,187, G>C. VCF-style: chr12-69353187-G-C. GRCh37 (hg19) VCF-style: chr12-69746967-G-C.
Other names: short protein forms V139L.
Identifiers: ClinVar variation 310333 (VCV000310333.8), dbSNP rs367623154, ClinGen allele CA6679813.
Genomic context (GRCh38, chr12:69,353,187, plus strand): 5'-ACCATTTGCTTCATCTTTTTCTACAGGGTGGCATGGAGAAATCGTTGTCAAAACAGAGAT[G>C]TCCGTCAGTATGTTCAAGGTTGTGGAGTGTAACTCCAGAATTTTCCTTCTTCAGCTCATT-3'
Protein context (NP_000230.1, residues 129-148): AWRNRCQNRD[Val139Leu]RQYVQGCGV

ClinVar aggregate classification (germline): Benign. Review status: criteria provided, multiple submitters, no conflicts (2 of 4 stars). 2 submissions from 2 submitters: Benign (2). Last evaluated 2025-09-13.

Conditions:
Familial visceral amyloidosis, Ostertag type (AMYLD2). Also called: AMYLOIDOSIS VIII; Ostertag type amyloidosis; Familial visceral amyloidosis; Hereditary Renal Amyloidosis; Amyloidosis, hepatic and systemic; AMYLOIDOSIS, HEREDITARY SYSTEMIC 2. Identifiers: Orphanet 85450, MedGen C0268389, MONDO:0007099, OMIM 105200.

Allele frequency attached by ClinVar (database versions not stated): gnomAD below 0.00001 and 0.00030; TOPMed 0.00002; 1000 Genomes Project 30x 0.00187; 1000 Genomes Project 0.00220.
gnomAD v4.1: 598 of 1,614,080 alleles (0.037%); highest among the groups gnomAD compares: South Asian, 0.63%; 7 homozygotes.

Submissions (2):

Labcorp Genetics (formerly Invitae), Labcorp
Classification: Benign. Last evaluated: 2025-09-13. Review status: criteria provided, single submitter. Criteria: Invitae Variant Classification Sherloc (09022015). Collection method: clinical testing. Allele origin: germline.

Illumina Laboratory Services, Illumina
Classification: Benign for Familial visceral amyloidosis, Ostertag type. Last evaluated: 2018-01-13. Review status: criteria provided, single submitter. Criteria: ICSL Variant Classification Criteria 13 December 2019. Collection method: clinical testing. Allele origin: germline.
Comment: This variant was observed in the ICSL laboratory as part of a predisposition screen in an ostensibly healthy population. It had not been previously curated by ICSL or reported in the Human Gene Mutation Database (HGMD: prior to June 1st, 2018), and was therefore a candidate for classification through an automated scoring system. Utilizing variant allele frequency, disease prevalence and penetrance estimates, and inheritance mode, an automated score was calculated to assess if this variant is too frequent to cause the disease. Based on the score and internal cut-off values, a variant classified as benign is not then subjected to further curation. The score for this variant resulted in a classification of benign for this disease.